The following is an entry in ClinVar:

ClinVar aggregate classification (germline): Uncertain significance. Review status: criteria provided, multiple submitters, no conflicts (2 of 4 stars). 5 submissions from 5 submitters: Uncertain significance (5). Last evaluated 2025-09-14.

Conditions:
Retinal arterial tortuosity. Also called: Retinal arteries, tortuosity of; RETINAL HEMORRHAGE WITH VASCULAR TORTUOSITY. Identifiers: Orphanet 75326, MedGen C0423401, MONDO:0008373, OMIM 180000, HP:0000631.
Microangiopathy and leukoencephalopathy, pontine, autosomal dominant. Also called: DEMENTIA, HEREDITARY MULTI-INFARCT, SWEDISH TYPE; Pontine autosomal dominant microangiopathy with leukoencephalopathy. Identifiers: Orphanet 477749, MedGen C5231411, MONDO:0032814, OMIM 618564.
Autosomal dominant familial hematuria-retinal arteriolar tortuosity-contractures syndrome. Also called: Angiopathy, hereditary, with nephropathy, aneurysms, and muscle cramps; Hereditary Angiopathy with Nephropathy, Aneurysms, and Muscle Cramps (HANAC) Syndrome. Identifiers: Orphanet 73229, MedGen C2673195, MONDO:0012726, OMIM 611773.
Brain small vessel disease 1 with or without ocular anomalies (BSVD1). Also called: PORENCEPHALY, TYPE 1, AUTOSOMAL DOMINANT; GOULD SYNDROME 1; Brain small vessel disease with or without ocular anomalies; BRAIN SMALL VESSEL DISEASE WITH HEMORRHAGE. Identifiers: Orphanet 2940, Orphanet 36383, Orphanet 99810, MedGen C4755307, MONDO:0008289, OMIM 175780.
Hemorrhage, intracerebral, susceptibility to (ICH). Also called: Stroke, hemorrhagic, susceptibility to. Identifiers: MedGen C3281105, MONDO:0100533, OMIM 614519.
Inborn genetic diseases. Identifiers: MedGen C0950123, MeSH D030342.

Allele frequency attached by ClinVar (database versions not stated): TOPMed below 0.00001; gnomAD 0.00001; gnomAD exomes 0.00004.
gnomAD v4.1: 60 of 1,613,964 alleles (0.0037%); highest among the groups gnomAD compares: Non-Finnish European, 0.0048%; no homozygotes.

Submissions (5):

Labcorp Genetics (formerly Invitae), Labcorp
Classification: Uncertain significance. Last evaluated: 2025-09-14. Review status: criteria provided, single submitter. Criteria: Invitae Variant Classification Sherloc (09022015). Collection method: clinical testing. Allele origin: germline.
Comment: This sequence change replaces proline, which is neutral and non-polar, with leucine, which is neutral and non-polar, at codon 1277 of the COL4A1 protein (p.Pro1277Leu). This variant is present in population databases (no rsID available, gnomAD 0.002%). This variant has not been reported in the literature in individuals affected with COL4A1-related conditions. ClinVar contains an entry for this variant (Variation ID: 2194080). Invitae Evidence Modeling of protein sequence and biophysical properties (such as structural, functional, and spatial information, amino acid conservation, physicochemical variation, residue mobility, and thermodynamic stability) indicates that this missense variant is not expected to disrupt COL4A1 protein function with a negative predictive value of 95%. In summary, the available evidence is currently insufficient to determine the role of this variant in disease. Therefore, it has been classified as a Variant of Uncertain Significance.

Revvity Omics, Revvity
Classification: Uncertain significance. Last evaluated: 2025-01-03. Review status: criteria provided, single submitter. Criteria: ACMG Guidelines, 2015. Collection method: clinical testing. Allele origin: germline.

Ambry Genetics
Classification: Uncertain significance for Inborn genetic diseases. Last evaluated: 2024-10-21. Review status: criteria provided, single submitter. Criteria: Ambry Variant Classification Scheme 2023. Collection method: clinical testing. Allele origin: germline.

GeneDx
Classification: Uncertain significance. Last evaluated: 2024-09-11. Review status: criteria provided, single submitter. Criteria: GeneDx Variant Classification Process June 2021. Collection method: clinical testing. Allele origin: germline. Affected: yes.
Comment: In silico analysis supports that this missense variant has a deleterious effect on protein structure/function; Has not been previously published as pathogenic or benign to our knowledge; Occurs in the triple helical domain at the Y position in the canonical Gly-X-Y repeat; although this variant may have an effect on normal protein folding and function, missense substitution at the Y position is not a common mechanism of disease

Fulgent Genetics
Classification: Uncertain significance for Brain small vessel disease 1 with or without ocular anomalies; Retinal arterial tortuosity; Autosomal dominant familial hematuria-retinal arteriolar tortuosity-contractures syndrome; Hemorrhage, intracerebral, susceptibility to; Microangiopathy and leukoencephalopathy, pontine, autosomal dominant. Last evaluated: 2023-12-27. Review status: criteria provided, single submitter. Criteria: ACMG Guidelines, 2015. Collection method: clinical testing. Allele origin: germline.

NM_001845.6(COL4A1):c.3830C>T (p.Pro1277Leu)

Gene: COL4A1 (collagen type IV alpha 1 chain; minus strand). Cytogenetic location: 13q34.
Variant type: single nucleotide variant.
Coding change: c.3830C>T on transcript NM_001845.6 (MANE Select); coding-DNA position 3830, C replaced by T.
Protein change: p.Pro1277Leu; replaces proline 1277 with leucine.
Molecular consequence: missense variant.
Genome position (GRCh38, 1-based): chr13:110,169,675, G>A on the plus strand (C>T on the coding strand, the complement: COL4A1 is on the minus strand). VCF-style: chr13-110169675-G-A. GRCh37 (hg19) VCF-style: chr13-110822022-G-A.
Other names: c.3830C>T (NM_001845.4); short protein forms P1277L.
Identifiers: ClinVar variation 2194080 (VCV002194080.8), dbSNP rs901229794, ClinGen allele CA256250814.
Genomic context (GRCh38, chr13:110,169,675, plus strand): 5'-AATCAATAACTCACAGGCATGCCCTGGAATCCAGGGTCTCCCTTGGGCCCTGGGACACCG[G>A]GTGCTCCTGGCCAGCCTGGATTTCCTTTGTCACCTTTAACTCCATCAATCCCAGGAAGCC-3'
Protein context (NP_001836.3, residues 1267-1287): DKGNPGWPGA[Pro1277Leu]GVPGPKGDPG